The following is an entry in ClinVar:

NM_001025603.2(RFX5):c.892G>A (p.Gly298Ser)

Gene: RFX5 (regulatory factor X5; minus strand). Cytogenetic location: 1q21.3.
Variant type: single nucleotide variant.
Coding change: c.892G>A on transcript NM_001025603.2 (MANE Select); coding-DNA position 892, G replaced by A.
Protein change: p.Gly298Ser; replaces glycine 298 with serine.
Molecular consequence: missense variant.
Genome position (GRCh38, 1-based): chr1:151,343,145, C>T on the plus strand (G>A on the coding strand, the complement: RFX5 is on the minus strand). VCF-style: chr1-151343145-C-T. GRCh37 (hg19) VCF-style: chr1-151315621-C-T.
Other names: c.892G>A, p.Gly298Ser (NM_000449.4, NM_001379412.1, NM_001379413.1 and 5 more transcripts); c.772G>A, p.Gly258Ser (NM_001379419.1, NM_001379420.1); short protein forms G298S, G258S.
Identifiers: ClinVar variation 471257 (VCV000471257.31), dbSNP rs146341254, ClinGen allele CA1089713.

ClinVar aggregate classification (germline): Conflicting classifications of pathogenicity. Review status: criteria provided, conflicting classifications (1 of 4 stars). 3 submissions from 3 submitters: Uncertain significance (2); Likely benign (1). Last evaluated 2025-04-12.

Conditions:
MHC class II deficiency. Also called: Bare lymphocyte syndrome 2; BLS, TYPE II. Identifiers: Orphanet 572, MedGen C5447452, MONDO:0008855.

Allele frequency attached by ClinVar (database versions not stated): ESP Exome Variant Server 0.00008; TOPMed 0.00014; gnomAD 0.00021 and 0.00023; 1000 Genomes Project 30x 0.00031.

Submissions (3):

Ambry Genetics
Classification: Uncertain significance. Last evaluated: 2025-04-12. Review status: criteria provided, single submitter. Criteria: Ambry Variant Classification Scheme 2023. Collection method: clinical testing. Allele origin: germline.

Labcorp Genetics (formerly Invitae), Labcorp
Classification: Uncertain significance for MHC class II deficiency. Last evaluated: 2025-01-13. Review status: criteria provided, single submitter. Criteria: Invitae Variant Classification Sherloc (09022015). Collection method: clinical testing. Allele origin: germline.
Comment: This sequence change replaces glycine, which is neutral and non-polar, with serine, which is neutral and polar, at codon 298 of the RFX5 protein (p.Gly298Ser). This variant is present in population databases (rs146341254, gnomAD 0.09%). This variant has not been reported in the literature in individuals affected with RFX5-related conditions. ClinVar contains an entry for this variant (Variation ID: 471257). An algorithm developed to predict the effect of missense changes on protein structure and function outputs the following: PolyPhen-2: "Benign". The serine amino acid residue is found in multiple mammalian species, which suggests that this missense change does not adversely affect protein function. In summary, the available evidence is currently insufficient to determine the role of this variant in disease. Therefore, it has been classified as a Variant of Uncertain Significance.

CeGaT Center for Human Genetics Tuebingen
Classification: Likely benign. Last evaluated: 2022-04-01. Review status: criteria provided, single submitter. Criteria: CeGaT Center For Human Genetics Tuebingen Variant Classification Criteria Version 2. Collection method: clinical testing. Allele origin: germline. Affected: yes. Observed: 1 variant allele.
Comment: RFX5: BP4